The following is an entry in ClinVar:

NM_007294.4(BRCA1):c.83T>C (p.Leu28Pro)

Gene: BRCA1 (BRCA1 DNA repair associated; minus strand). Cytogenetic location: 17q21.31.
Variant type: single nucleotide variant.
Coding change: c.83T>C on transcript NM_007294.4 (MANE Select); coding-DNA position 83, T replaced by C.
Protein change: p.Leu28Pro; replaces leucine 28 with proline.
Molecular consequence: missense variant. On other transcripts: non-coding transcript variant (1), intron variant (1).
Genome position (GRCh38, 1-based): chr17:43,115,777, A>G on the plus strand (T>C on the coding strand, the complement: BRCA1 is on the minus strand). VCF-style: chr17-43115777-A-G. GRCh37 (hg19) VCF-style: chr17-41267794-A-G.
Other names: NM_007294.4(BRCA1):c.83T>C; p.Leu28Pro; 202T>C; c.83T>C, p.Leu28Pro (NM_001407686.1, NM_001407687.1, NM_001407688.1 and 192 more transcripts); c.-175T>C (NM_001407694.1, NM_001407696.1, NM_001407724.1 and 13 more transcripts); c.-179T>C (NM_001407695.1, NM_001408465.1); c.-59T>C (NM_001407697.1, NM_001407725.1, NM_001407728.1 and 47 more transcripts); c.-106T>C (NM_001407571.1, NM_001407853.1, NM_001407879.1 and 52 more transcripts); and 5 more; short protein forms L28P.
Identifiers: ClinVar variation 55732 (VCV000055732.25), dbSNP rs80357266, ClinGen allele CA003933.

ClinVar aggregate classification (germline): Uncertain significance. Review status: reviewed by expert panel (3 of 4 stars). 8 submissions from 8 submitters: Uncertain significance (1). 7 of the submissions do not count toward it. Last evaluated 2026-01-04.

Conditions:
Hereditary cancer-predisposing syndrome. Also called: Hereditary Cancer Syndrome; Hereditary neoplastic syndrome; Neoplastic Syndromes, Hereditary; Tumor predisposition. Identifiers: Orphanet 140162, MedGen C0027672, MeSH D009386, MONDO:0015356.
Breast-ovarian cancer, familial, susceptibility to, 1 (BROVCA1). Also called: BRCA1 Hereditary Breast and Ovarian Cancer; OVARIAN CANCER, SUSCEPTIBILITY TO. Identifiers: Orphanet 145, MedGen C2676676, MONDO:0011450, OMIM 604370. Disease mechanism: loss of function.
BRCA1-related cancer predisposition. Identifiers: MedGen CN377757, MONDO:0700268.
Hereditary breast ovarian cancer syndrome. Also called: BRCA1- and BRCA2-Associated Hereditary Breast and Ovarian Cancer; Hereditary breast and ovarian cancer syndrome; Hereditary breast and ovarian cancer syndrome (HBOC); Breast and ovarian cancer; Hereditary breast and/or ovarian cancer syndrome; Hereditary breast and ovarian cancer. Identifiers: Orphanet 145, MedGen C0677776, MeSH D061325, MONDO:0003582. Disease mechanism: loss of function.

Submissions (9):

ClinGen ENIGMA BRCA1 and BRCA2 Variant Curation Expert Panel, ClinGen
Classification: Uncertain significance for BRCA1-related cancer predisposition. Last evaluated: 2026-01-04. Review status: reviewed by expert panel. Criteria: CSpec BRCA12ACMG Rules Specifications V1.1. Collection method: curation. Allele origin: germline. Inheritance: Autosomal dominant inheritance.
Comment: The c.83T>C variant in BRCA1 is a missense variant predicted to cause substitution of Leucine by Proline at amino acid 28 (p.(Leu28Pro)). This variant is absent from gnomAD v2.1 (exomes only, non-cancer subset, read depth ≥25) and gnomAD v3.1 (non-cancer subset, read depth ≥25) (PM2_Supporting met). Reported by two calibrated studies to exhibit protein function similar to pathogenic control variants (PMID:30209399, 35659930) (PS3 met). This BRCA1 missense variant is within a key functional domain and the computational predictor BayesDel (noAF) gives a score of 0.45, above the recommended threshold of 0.28 for prediction of impact on BRCA1 function via protein change. A SpliceAI score of 0 predicts no impact on splicing (score threshold <0.10) (PP3 met). Multifactorial likelihood ratio analysis using clinically calibrated data produced a combined LR for this variant of 0.41 (based on Co-occurrence LR=1.07; Family History LR=0.38), within the thresholds for supporting benign evidence (LR 0.23-0.48) (BP5 met; Internal lab contributor). In summary, this variant meets the criteria to be classified as a Variant of uncertain significance for BRCA1-related cancer predisposition based on the ACMG/AMP criteria applied as specified by the ENIGMA BRCA1/2 VCEP (PM2_Supporting, PS3, PP3, BP5).

Ambry Genetics
Classification: Likely pathogenic for Hereditary cancer-predisposing syndrome. Last evaluated: 2022-09-15. Review status: criteria provided, single submitter. Criteria: Ambry Variant Classification Scheme 2023. Collection method: clinical testing. Allele origin: germline. Not counted in ClinVar's aggregate classification.
Comment: The p.L28P variant (also known as c.83T>C), located in coding exon 2 of the BRCA1 gene, results from a T to C substitution at nucleotide position 83. The leucine at codon 28 is replaced by proline, an amino acid with similar properties. One functional study found that this nucleotide substitution is deleterious in a high throughput genome editing haploid cell survival assay (Findlay GM et al. Nature, 2018 10;562:217-222). However, functional assays on RING domain variants to measure BRCA1 E3 ubiquitin ligase activity and binding to BARD1 indicate unknown significance of this alteration (Starita LM et al. Genetics, 2015 Jun;200:413-22; Caleca L et al. Cancers (Basel), 2019 Jan;11). Based on internal structural analysis, this variant is anticipated to result in a significant decrease in structural stability (Internal Ambry Data; Morris JR et al. Hum. Mol. Genet., 2006 Feb;15:599-606). This variant is considered to be rare based on population cohorts in the Genome Aggregation Database (gnomAD). This amino acid position is highly conserved in available vertebrate species. In addition, this alteration is predicted to be deleterious by in silico analysis. Based on the majority of available evidence to date, this variant is likely to be pathogenic.

Color Diagnostics, LLC DBA Color Health
Classification: Uncertain significance for Hereditary cancer-predisposing syndrome. Last evaluated: 2022-08-02. Review status: criteria provided, single submitter. Criteria: ACMG Guidelines, 2015. Collection method: clinical testing. Allele origin: germline. Not counted in ClinVar's aggregate classification.
Comment: This missense variant replaces leucine with proline at codon 28 in the RING domain of the BRCA1 protein. Computational prediction suggests that this variant may have deleterious impact on protein structure and function (internally defined REVEL score threshold >= 0.7, PMID: 27666373). Functional studies have reported that this variant disrupted BRCA1 function in homology-directed DNA repair, a haploid cell proliferation, mammalian two-hybrid assay for BARD1 binding and E3 ubiquitin ligase assays, albeit the degrees of the disruption were often not as severe as the null controls (PMID: 16403807, 25823446, 30209399, 35659930). This variant has been reported in at least one individual or family affected with breast and/or ovarian cancer (PMID: 18779604). A multifactorial analysis has reported likelihood ratios for pathogenicity based on co-occurrence and family history of 1.0673 and 0.3838, respectively (PMID: 31131967). This variant has not been identified in the general population by the Genome Aggregation Database (gnomAD). Although there is a suspicion that this variant may be associated with disease based on functional evidence, there is insufficient clinical data to be conclusive. Therefore, this variant is classified as a Variant of Uncertain Significance.

Labcorp Genetics (formerly Invitae), Labcorp
Classification: Uncertain significance for Hereditary breast ovarian cancer syndrome. Last evaluated: 2022-06-13. Review status: criteria provided, single submitter. Criteria: Invitae Variant Classification Sherloc (09022015). Collection method: clinical testing. Allele origin: germline. Not counted in ClinVar's aggregate classification.
Comment: Experimental studies have shown that this missense change affects BRCA1 function (PMID: 16403807, 25823446, 30209399). In summary, the available evidence is currently insufficient to determine the role of this variant in disease. Therefore, it has been classified as a Variant of Uncertain Significance. Algorithms developed to predict the effect of missense changes on protein structure and function (SIFT, PolyPhen-2, Align-GVGD) all suggest that this variant is likely to be disruptive. ClinVar contains an entry for this variant (Variation ID: 55732). This missense change has been observed in individual(s) with clinical features of BRCA1-related conditions (PMID: 10923033, 21520333). This variant is not present in population databases (gnomAD no frequency). This sequence change replaces leucine, which is neutral and non-polar, with proline, which is neutral and non-polar, at codon 28 of the BRCA1 protein (p.Leu28Pro).

Women's Health and Genetics/Laboratory Corporation of America, LabCorp
Classification: Uncertain significance. Last evaluated: 2021-12-27. Review status: criteria provided, single submitter. Criteria: LabCorp Variant Classification Summary - May 2015. Collection method: clinical testing. Allele origin: germline. Not counted in ClinVar's aggregate classification.
Comment: Variant summary: BRCA1 c.83T>C (p.Leu28Pro) results in a non-conservative amino acid change located in the Zinc finger, RING-type domain (IPR001841) of the encoded protein sequence. Five of five in-silico tools predict a damaging effect of the variant on protein function. Based on a combination of a multiple sequence alignment of orthologous BRCA1 sequences and a measure of the chemical difference between the amino acids present in the sequence alignment, this variant has been predicted to be likely deleterious and fully conserved across species (Abkevich_2004). The variant was absent in 250258 control chromosomes. Although this variant has been reported in various databases (HGMD, LOVD, UMD and BIC), to our knowledge, no occurrence of c.83T>C in individuals affected with Hereditary Breast And Ovarian Cancer Syndrome has been reported. Several publications report experimental evidence evaluating an impact on protein function (example, Morris_2006, Starita_2015, Findlay_2018). The most pronounced variant effect results in a reproducible loss of homology directed repair (HDR) activity as well as a reduction in the E3 ubiquitin ligase activity of BRCA1. Three clinical diagnostic laboratories have submitted clinical-significance assessments for this variant to ClinVar after 2014 without evidence for independent evaluation. All laboratories classified the variant as uncertain significance. Some submitters cite overlapping evidence utilized in the context of this evaluation. Based on the evidence outlined above, the variant was classified as VUS-possibly pathogenic.

GeneDx
Classification: Uncertain significance. Last evaluated: 2016-06-21. Review status: criteria provided, single submitter. Criteria: GeneDx Variant Classification (06012015). Collection method: clinical testing. Allele origin: germline. Affected: yes. Not counted in ClinVar's aggregate classification.
Comment: This variant is denoted BRCA1 c.83T>C at the cDNA level, p.Leu28Pro (L28P) at the protein level, and results in the change of a Leucine to a Proline (CTG>CCG). Using alternate nomenclature, this variant would be defined as BRCA1 202T>C. This variant was observed in at least one individual with a personal and/or family history suspicious for Hereditary Breast and Ovarian Cancer (Kurian 2008). BRCA1 Leu28Pro was evaluated by yeast two-hybrid assay to have intact BARD1 and E3 binding, but reduced E3 ligase activity (Morris 2006). BRCA1 Leu28Pro was not observed in approximately 6,500 individuals of European and African American ancestry in the NHLBI Exome Sequencing Project, suggesting it is not a common benign variant in these populations. Since Leucine and Proline differ in some properties, this is considered a semi-conservative amino acid substitution. BRCA1 Leu28Pro occurs at a position that is conserved in mammals and is located in the ring figure domain and a region known to interact with multiple other proteins (Paul 2014). In silico analyses predict that this variant is probably damaging to protein structure and function. Based on currently available evidence, it is unclear whether BRCA1 Leu28Pro is a pathogenic or benign variant. We consider it to be a variant of uncertain significance.

Sharing Clinical Reports Project (SCRP)
Classification: Uncertain significance for Breast-ovarian cancer, familial 1. Last evaluated: 2012-10-18. Review status: no assertion criteria provided. Collection method: clinical testing. Allele origin: germline. Not counted in ClinVar's aggregate classification.

Breast Cancer Information Core (BIC) (BRCA1)
Classification: Uncertain significance for Breast-ovarian cancer, familial 1. Last evaluated: 2002-06-20. Review status: no assertion criteria provided. Collection method: clinical testing. Allele origin: germline. Affected: yes. Observed: 2 variant alleles. Not counted in ClinVar's aggregate classification.

Brotman Baty Institute, University of Washington
No classification provided (evidence only). Condition: Breast-ovarian cancer, familial 1. Review status: no classification provided. Collection method: in vitro. Allele origin: not applicable. Functional consequence: functionally_abnormal. Not counted in ClinVar's aggregate classification.
ClinVar note: "not provided" was previously submitted as the classification for the variant. However, the classification appeared to be based only on an observation of functional data so it was converted to no classification on 2025-07-30.

Literature cited by the submitters: PubMed 16403807 (cited by 4 submitters); PubMed 25823446 (cited by 4 submitters); PubMed 30209399 (cited by 4 submitters); PubMed 30696104 (cited by Ambry Genetics); PubMed 18779604 (cited by Color Diagnostics, LLC DBA Color Health); PubMed 31131967 (cited by Color Diagnostics, LLC DBA Color Health); PubMed 35659930 (cited by Color Diagnostics, LLC DBA Color Health); PubMed 10923033 (cited by Labcorp Genetics (formerly Invitae), Labcorp); PubMed 21520333 (cited by Labcorp Genetics (formerly Invitae), Labcorp); PubMed 15235020 (cited by Women's Health and Genetics/Laboratory Corporation of America, LabCorp).